The following is an entry in ClinVar:

ClinVar aggregate classification (germline): Conflicting classifications of pathogenicity. Review status: criteria provided, conflicting classifications (1 of 4 stars). 2 submissions from 2 submitters: Uncertain significance (1); Likely benign (1). Last evaluated 2024-10-28.

Submissions (2):

Labcorp Genetics (formerly Invitae), Labcorp
Classification: Uncertain significance. Last evaluated: 2024-10-28. Review status: criteria provided, single submitter. Criteria: Invitae Variant Classification Sherloc (09022015). Collection method: clinical testing. Allele origin: germline.
Comment: This sequence change falls in intron 7 of the LZTR1 gene. It does not directly change the encoded amino acid sequence of the LZTR1 protein. The frequency data for this variant in the population databases is considered unreliable, as metrics indicate poor data quality at this position in the gnomAD database. This variant has not been reported in the literature in individuals affected with LZTR1-related conditions. Experimental studies and prediction algorithms are not available or were not evaluated, and the effect of this variant on mRNA splicing is currently unknown. In summary, the available evidence is currently insufficient to determine the role of this variant in disease. Therefore, it has been classified as a Variant of Uncertain Significance.

Blueprint Genetics
Classification: Likely benign. Last evaluated: 2022-12-19. Review status: criteria provided, single submitter. Criteria: ACMG Guidelines, 2015. Collection method: clinical testing. Allele origin: germline.

NM_006767.4(LZTR1):c.651+10_651+83del

Gene: LZTR1 (leucine zipper like post translational regulator 1; plus strand). Cytogenetic location: 22q11.21.
Variant type: Deletion.
Coding change: c.651+10_651+83del on transcript NM_006767.4 (MANE Select); bases 10 to 83 of the intron after coding-DNA position 651, 74 bases deleted.
Molecular consequence: splice donor variant.
Genome position (GRCh38, 1-based): chr22:20,989,692-20,989,765, 74 bases deleted. GRCh37 (hg19): chr22:21,343,981-21,344,054.
Identifiers: ClinVar variation 2730080 (VCV002730080.4), dbSNP rs2518614970, ClinGen allele CA638555291.